The following is an entry in ClinVar:

NM_000441.2(SLC26A4):c.642del (p.Leu215fs)

Gene: SLC26A4 (solute carrier family 26 member 4; plus strand). Cytogenetic location: 7q22.3.
Variant type: Deletion.
Coding change: c.642del on transcript NM_000441.2 (MANE Select); coding-DNA position 642, one base deleted (C; older notation c.642delC).
Protein change: p.Leu215fs; shifts the reading frame from leucine 215.
Molecular consequence: frameshift variant.
Genome position (GRCh38, 1-based): chr7:107,674,986, C deleted. VCF-style (leftmost placement, unchanged base first): chr7-107674985-AC-A. GRCh37 (hg19) VCF-style: chr7-107315430-AC-A.
Other names: short protein forms L215fs.
Identifiers: ClinVar variation 2011758 (VCV002011758.6), dbSNP rs2535297456, ClinGen allele CA2580076135.

ClinVar aggregate classification (germline): Pathogenic/Likely pathogenic. Review status: criteria provided, multiple submitters, no conflicts (2 of 4 stars). 3 submissions from 3 submitters: Pathogenic (2); Likely pathogenic (1). Last evaluated 2026-02-04.

Conditions:
Pendred syndrome (PDS). Also called: Pendred Syndrome (PDS); DEAFNESS WITH GOITER; GOITER-DEAFNESS SYNDROME; HYPOTHYROIDISM, CONGENITAL, DUE TO DYSHORMONOGENESIS, 2B; THYROID DYSHORMONOGENESIS 2B; THYROID HORMONOGENESIS, GENETIC DEFECT IN, 2B. Identifiers: Orphanet 705, MedGen C0271829, MONDO:0010134, OMIM 274600.
Autosomal recessive nonsyndromic hearing loss 4 (DFNB4). Also called: Deafness, autosomal recessive 4, with enlarged vestibular aqueduct; FOXI1-Related Pendred Syndrome; KCNJ10-Related Pendred Syndrome; DEAFNESS, AUTOSOMAL RECESSIVE 4, WITH ENLARGED VESTIBULAR AQUEDUCT, DIGENIC; NEUROSENSORY NONSYNDROMIC RECESSIVE DEAFNESS 4; Deafness, autosomal recessive 4. Identifiers: Orphanet 90636, MedGen C3538946, MONDO:0010933, OMIM 600791.

Allele frequency attached by ClinVar (database versions not stated): gnomAD exomes below 0.00001.

Submissions (3):

Myriad Genetics, Inc.
Classification: Pathogenic for Pendred syndrome. Last evaluated: 2026-02-04. Review status: criteria provided, single submitter. Criteria: Myriad Autosomal Dominant, Autosomal Recessive and X-Linked Classification Criteria (2023). Collection method: clinical testing. Allele origin: unknown.
Comment: NM_000441.1(SLC26A4):c.642delC(L215Wfs*22) is expected to be pathogenic in the context of Pendred syndrome. This variant is predicted to lead to an abnormal or absent protein product due to the creation of a premature termination codon in SLC26A4, a gene where loss-of-function variants are known to be pathogenic. Please note: this variant was assessed in the context of healthy population screening.

Baylor Genetics
Classification: Likely pathogenic for Autosomal recessive nonsyndromic hearing loss 4. Last evaluated: 2023-08-15. Review status: criteria provided, single submitter. Criteria: ACMG Guidelines, 2015. Collection method: clinical testing. Allele origin: unknown.

Labcorp Genetics (formerly Invitae), Labcorp
Classification: Pathogenic. Last evaluated: 2022-06-28. Review status: criteria provided, single submitter. Criteria: Invitae Variant Classification Sherloc (09022015). Collection method: clinical testing. Allele origin: germline.
Comment: For these reasons, this variant has been classified as Pathogenic. This variant has not been reported in the literature in individuals affected with SLC26A4-related conditions. This variant is not present in population databases (gnomAD no frequency). This sequence change creates a premature translational stop signal (p.Leu215Trpfs*22) in the SLC26A4 gene. It is expected to result in an absent or disrupted protein product. Loss-of-function variants in SLC26A4 are known to be pathogenic (PMID: 16283880, 25394566, 26252218, 26445815).

Literature cited by the submitters: PubMed 16283880 (cited by Labcorp Genetics (formerly Invitae), Labcorp); PubMed 25394566 (cited by Labcorp Genetics (formerly Invitae), Labcorp); PubMed 26252218 (cited by Labcorp Genetics (formerly Invitae), Labcorp); PubMed 26445815 (cited by Labcorp Genetics (formerly Invitae), Labcorp).